The following is an entry in ClinVar:

NM_001377265.1(MAPT):c.2091+19C>G

Gene: MAPT (microtubule associated protein tau). Cytogenetic location: 17q21.31.
Variant type: single nucleotide variant.
Coding change: c.2091+19C>G on transcript NM_001377265.1 (MANE Select); 19 bases into the intron after coding-DNA position 2091, C replaced by G.
Molecular consequence: intron variant.
Genome position (GRCh38, 1-based): chr17:46,010,421, C>G. VCF-style: chr17-46010421-C-G. GRCh37 (hg19) VCF-style: chr17-44087787-C-G.
Other names: c.649-3822C>G (NM_001377268.1, NM_016841.5); c.1920+19C>G (NM_001123066.4); c.1866+19C>G (NM_016835.5); c.915+19C>G (NM_005910.6); c.823-3822C>G (NM_001203252.2); c.1801-3822C>G (NM_001377266.1); c.828+19C>G (NM_001123067.4); c.736-3822C>G (NM_001203251.2, NM_001377267.1); and 1 more.
Identifiers: ClinVar variation 98223 (VCV000098223.5), dbSNP rs63750162, ClinGen allele CA225466.

ClinVar aggregate classification (germline): Conflicting classifications of pathogenicity. Review status: criteria provided, conflicting classifications (1 of 4 stars). 4 submissions from 4 submitters: Likely pathogenic (1); Uncertain significance (2). 1 of the submissions does not count toward it. Last evaluated 2024-06-04.

Conditions:
Frontotemporal dementia (FTD1). Also called: Frontotemporal Dementia with Parkinsonism-17 (FTDP-17); FRONTOTEMPORAL DEMENTIA WITH PARKINSONISM; FRONTOTEMPORAL LOBE DEMENTIA; MULTIPLE SYSTEM TAUOPATHY WITH PRESENILE DEMENTIA; Dementia, frontotemporal, with or without parkinsonism; WILHELMSEN-LYNCH DISEASE. Identifiers: Orphanet 282, MedGen C0338451, MONDO:0017276, OMIM 600274, HP:0002145.

Allele frequency attached by ClinVar (database versions not stated): gnomAD 0.00001; gnomAD exomes 0.00001 and 0.00002; TOPMed 0.00001; ExAC 0.00008; ESP Exome Variant Server 0.00015.
gnomAD v4.1: 34 of 1,515,062 alleles (0.0022%); highest among the groups gnomAD compares: Non-Finnish European, 0.0029%; no homozygotes.

Submissions (4):

GeneDx
Classification: Uncertain significance. Last evaluated: 2024-06-04. Review status: criteria provided, single submitter. Criteria: GeneDx Variant Classification Process June 2021. Collection method: clinical testing. Allele origin: germline. Affected: yes.
Comment: Not observed at significant frequency in large population cohorts (gnomAD); In silico analysis indicates that this variant does not alter splicing; Nucleotide is not conserved across species and the substitution has no predicted effect on splicing; This variant is associated with the following publications: (PMID: 19914360, 30793898, 12615641, 37563653, 31031559)

Labcorp Genetics (formerly Invitae), Labcorp
Classification: Uncertain significance for Frontotemporal dementia. Last evaluated: 2024-05-16. Review status: criteria provided, single submitter. Criteria: Invitae Variant Classification Sherloc (09022015). Collection method: clinical testing. Allele origin: germline.
Comment: This sequence change falls in intron 9 of the MAPT gene. It does not directly change the encoded amino acid sequence of the MAPT protein. This variant is present in population databases (rs63750162, gnomAD 0.01%). This variant has been observed in individual(s) with frontotemporal dementia (PMID: 12615641, 19884572). ClinVar contains an entry for this variant (Variation ID: 98223). Studies have shown that this variant is associated with inconclusive levels of altered splicing (PMID: 12615641, 19914360, 30793898). In summary, the available evidence is currently insufficient to determine the role of this variant in disease. Therefore, it has been classified as a Variant of Uncertain Significance.

Athena Diagnostics
Classification: Likely pathogenic. Last evaluated: 2018-01-23. Review status: criteria provided, single submitter. Criteria: Athena Diagnostics Criteria. Collection method: clinical testing. Allele origin: germline.

VIB  Department of Molecular Genetics, University of Antwerp
No classification provided. Review status: no classification provided. Collection method: not provided. Allele origin: not provided. Not counted in ClinVar's aggregate classification.

Literature cited by the submitters: PubMed 12615641 (cited by Labcorp Genetics (formerly Invitae), Labcorp and Athena Diagnostics); PubMed 19884572 (cited by Labcorp Genetics (formerly Invitae), Labcorp and Athena Diagnostics); PubMed 19914360 (cited by Labcorp Genetics (formerly Invitae), Labcorp and Athena Diagnostics); PubMed 30793898 (cited by Labcorp Genetics (formerly Invitae), Labcorp).